The following is an entry in ClinVar:

ClinVar aggregate classification (germline): Uncertain significance. Review status: criteria provided, multiple submitters, no conflicts (2 of 4 stars). 2 submissions from 2 submitters: Uncertain significance (2). Last evaluated 2025-09-03.

Conditions:
Inborn genetic diseases. Identifiers: MedGen C0950123, MeSH D030342.

gnomAD v4.1: 7 of 1,613,882 alleles (0.00043%); highest among the groups gnomAD compares: African/African-American, 0.0013%; no homozygotes.

Submissions (2):

Women's Health and Genetics/Laboratory Corporation of America, LabCorp
Classification: Uncertain significance. Last evaluated: 2025-09-03. Review status: criteria provided, single submitter. Criteria: LabCorp Variant Classification Summary - May 2015. Collection method: clinical testing. Allele origin: germline.
Comment: Variant summary: COL4A2 c.1921C>G (p.Pro641Ala) results in a non-conservative amino acid change in the encoded protein sequence. Algorithms developed to predict the effect of missense changes on protein structure and function are either unavailable or do not agree on the potential impact of this missense change. The variant allele was found at a frequency of 4e-06 in 246924 control chromosomes. The available data on variant occurrences in the general population are insufficient to allow any conclusion about variant significance. To our knowledge, no occurrence of c.1921C>G in individuals affected with COL4A2-related conditions and no experimental evidence demonstrating its impact on protein function have been reported. ClinVar contains an entry for this variant (Variation ID: 4005377). Based on the evidence outlined above, the variant was classified as uncertain significance.

Ambry Genetics
Classification: Uncertain significance for Inborn genetic diseases. Last evaluated: 2025-05-01. Review status: criteria provided, single submitter. Criteria: Ambry Variant Classification Scheme 2023. Collection method: clinical testing. Allele origin: germline.

NM_001846.4(COL4A2):c.1921C>G (p.Pro641Ala)

Gene: COL4A2 (collagen type IV alpha 2 chain; plus strand). Cytogenetic location: 13q34.
Variant type: single nucleotide variant.
Coding change: c.1921C>G on transcript NM_001846.4 (MANE Select); coding-DNA position 1921, C replaced by G.
Protein change: p.Pro641Ala; replaces proline 641 with alanine.
Molecular consequence: missense variant.
Genome position (GRCh38, 1-based): chr13:110,465,549, C>G. VCF-style: chr13-110465549-C-G. GRCh37 (hg19) VCF-style: chr13-111117896-C-G.
Other names: short protein forms P641A.
Identifiers: ClinVar variation 4005377 (VCV004005377.2).